The following is an entry in ClinVar:

ClinVar aggregate classification (germline): Uncertain significance (1 of 4 stars; one submission).

Conditions:
Brugada syndrome. Also called: Sudden unexpected nocturnal death syndrome; Sudden unexplained nocturnal death syndrome; Sudden Unexplained Death Syndrome; Sudden Unexplained Nocturnal Death Syndrome (SUNDS). Identifiers: Orphanet 130, MedGen C1142166, MONDO:0015263.

Submission:

Labcorp Genetics (formerly Invitae), Labcorp
Classification: Uncertain significance for Brugada syndrome. Last evaluated: 2020-11-11. Review status: criteria provided, single submitter. Criteria: Invitae Variant Classification Sherloc (09022015). Collection method: clinical testing. Allele origin: germline.
Comment: This sequence change replaces alanine with aspartic acid at codon 97 of the KCNJ8 protein (p.Ala97Asp). The alanine residue is moderately conserved and there is a moderate physicochemical difference between alanine and aspartic acid. This variant is not present in population databases (ExAC no frequency). This variant has not been reported in the literature in individuals with KCNJ8-related conditions. Advanced modeling of protein sequence and biophysical properties (such as structural, functional, and spatial information, amino acid conservation, physicochemical variation, residue mobility, and thermodynamic stability) performed at Invitae indicates that this missense variant is expected to disrupt KCNJ8 protein function. In summary, the available evidence is currently insufficient to determine the role of this variant in disease. Therefore, it has been classified as a Variant of Uncertain Significance.

NM_004982.4(KCNJ8):c.290C>A (p.Ala97Asp)

Genes: KCNJ8-AS1 (KCNJ8 antisense RNA 1; plus strand), KCNJ8 (potassium inwardly rectifying channel subfamily J member 8; minus strand). Cytogenetic location: 12p12.1.
Variant type: single nucleotide variant.
Coding change: c.290C>A on transcript NM_004982.4 (MANE Select); coding-DNA position 290, C replaced by A.
Protein change: p.Ala97Asp; replaces alanine 97 with aspartic acid.
Molecular consequence: missense variant.
Genome position (GRCh38, 1-based): chr12:21,773,327, G>T on the plus strand (C>A on the coding strand, the complement: KCNJ8 is on the minus strand). VCF-style: chr12-21773327-G-T. GRCh37 (hg19) VCF-style: chr12-21926261-G-T.
Other names: short protein forms A97D.
Identifiers: ClinVar variation 1346095 (VCV001346095.8), dbSNP rs1940805358, ClinGen allele CA384131061.